The following is an entry in ClinVar:

ClinVar aggregate classification (germline): Conflicting classifications of pathogenicity. Review status: criteria provided, conflicting classifications (1 of 4 stars). 7 submissions from 7 submitters: Uncertain significance (6); Likely benign (1). Last evaluated 2026-01-07.

Conditions:
Hereditary cancer-predisposing syndrome. Also called: Hereditary Cancer Syndrome; Hereditary neoplastic syndrome; Neoplastic Syndromes, Hereditary; Tumor predisposition. Identifiers: Orphanet 140162, MedGen C0027672, MeSH D009386, MONDO:0015356.
Intellectual disability, autosomal dominant 16 (CSS4). Also called: COFFIN-SIRIS SYNDROME 4. Identifiers: Orphanet 1465, MedGen C3553249, MONDO:0013821, OMIM 614609.
Rhabdoid tumor predisposition syndrome 2 (RTPS2). Identifiers: Orphanet 231108, Orphanet 69077, MedGen C2750074, MONDO:0013224, OMIM 613325.

Allele frequency attached by ClinVar (database versions not stated): gnomAD 0.00001; TOPMed 0.00001; gnomAD exomes 0.00002 and 0.00003; ExAC 0.00004.
gnomAD v4.1: 28 of 1,612,438 alleles (0.0017%); highest among the groups gnomAD compares: Admixed American, 0.012%; no homozygotes.

Submissions (7):

Labcorp Genetics (formerly Invitae), Labcorp
Classification: Uncertain significance for Rhabdoid tumor predisposition syndrome 2. Last evaluated: 2026-01-07. Review status: criteria provided, single submitter. Criteria: Invitae Variant Classification Sherloc (09022015). Collection method: clinical testing. Allele origin: germline.
Comment: This sequence change replaces proline, which is neutral and non-polar, with leucine, which is neutral and non-polar, at codon 32 of the SMARCA4 protein (p.Pro32Leu). This variant is present in population databases (no rsID available, gnomAD 0.01%). This variant has not been reported in the literature in individuals affected with SMARCA4-related conditions. ClinVar contains an entry for this variant (Variation ID: 408639). Experimental studies and prediction algorithms are not available or were not evaluated, and the functional significance of this variant is currently unknown. In summary, the available evidence is currently insufficient to determine the role of this variant in disease. Therefore, it has been classified as a Variant of Uncertain Significance.

GeneDx
Classification: Uncertain significance. Last evaluated: 2024-02-27. Review status: criteria provided, single submitter. Criteria: GeneDx Variant Classification Process June 2021. Collection method: clinical testing. Allele origin: germline. Affected: yes.
Comment: In silico analysis, which includes protein predictors and evolutionary conservation, supports a deleterious effect; Has not been previously published as pathogenic or benign to our knowledge

Ambry Genetics
Classification: Likely benign for Hereditary cancer-predisposing syndrome. Last evaluated: 2024-02-22. Review status: criteria provided, single submitter. Criteria: Ambry Variant Classification Scheme 2023. Collection method: clinical testing. Allele origin: germline.

Baylor Genetics
Classification: Uncertain significance for Rhabdoid tumor predisposition syndrome 2. Last evaluated: 2023-08-13. Review status: criteria provided, single submitter. Criteria: ACMG Guidelines, 2015. Collection method: clinical testing. Allele origin: unknown.

Quest Diagnostics Nichols Institute San Juan Capistrano
Classification: Uncertain significance. Last evaluated: 2023-01-17. Review status: criteria provided, single submitter. Criteria: Quest Diagnostics criteria. Collection method: clinical testing. Allele origin: unknown.
Comment: In the published literature, this variant has been reported as a somatic variant detected in a colorectal cancer specimen (PMID: 29338072 (2018)). The frequency of this variant in the general population, 0.00015 (5/34294 chromosomes in Latino/Admixed American subpopulation (Genome Aggregation Database)), is higher than would generally be expected for pathogenic variants in this gene. Analysis of this variant using bioinformatics tools for the prediction of the effect of amino acid changes on protein structure and function yielded predictions that this variant is damaging. Based on the available information, we are unable to determine the clinical significance of this variant.

Sema4
Classification: Uncertain significance for Hereditary cancer-predisposing syndrome. Last evaluated: 2021-11-22. Review status: criteria provided, single submitter. Criteria: Sema4 Curation Guidelines. Collection method: curation. Allele origin: germline.
Comment: The SMARCA4 c.95C>T (p.P32L) variant has not been reported in the literature to our knowledge. This variant was observed in 5/34294 chromosomes in the Latino population according to the Genome Aggregation Database (PMID: 32461654). This variant has been reported in ClinVar (Variation ID 408639). Functional studies have not been performed, and in silico predictions of the variant's effect on protein function are inconclusive. The overall evidence is insufficient to meet ACMG/AMP criteria for classifying it as benign or pathogenic. In summary, the clinical significance of this variant is currently uncertain.

Genome-Nilou Lab
Classification: Uncertain significance for Intellectual disability, autosomal dominant 16. Last evaluated: 2021-07-15. Review status: criteria provided, single submitter. Criteria: ACMG Guidelines, 2015. Collection method: clinical testing. Allele origin: germline. Affected: no.

Literature cited by the submitters: PubMed 29338072 (cited by Quest Diagnostics Nichols Institute San Juan Capistrano).

NM_003072.5(SMARCA4):c.95C>T (p.Pro32Leu)

Gene: SMARCA4 (SWI/SNF related BAF chromatin remodeling complex subunit ATPase 4; plus strand). Cytogenetic location: 19p13.2.
Variant type: single nucleotide variant.
Coding change: c.95C>T on transcript NM_003072.5 (MANE Select); coding-DNA position 95, C replaced by T.
Protein change: p.Pro32Leu; replaces proline 32 with leucine.
Molecular consequence: missense variant. On other transcripts: non-coding transcript variant (1).
Genome position (GRCh38, 1-based): chr19:10,984,246, C>T. VCF-style: chr19-10984246-C-T. GRCh37 (hg19) VCF-style: chr19-11094922-C-T.
Other names: c.95C>T, p.Pro32Leu (NM_001128844.3, NM_001128845.2, NM_001128846.2 and 5 more transcripts); short protein forms P32L.
Identifiers: ClinVar variation 408639 (VCV000408639.23), dbSNP rs910095001, ClinGen allele CA9203395.
Genomic context (GRCh38, chr19:10,984,246, plus strand): 5'-CTCGGCCAGGTCCTTCCCCGGGCCCTGGCCCTTCCCCTGGAGCCATGCTGGGCCCTAGCC[C>T]GGGTCCCTCGCCGGGCTCCGCCCACAGCATGATGGGGCCCAGCCCAGGGCCGCCCTCAGC-3'
Protein context (NP_003063.2, residues 22-42): PSPGAMLGPS[Pro32Leu]GPSPGSAHSM